The following is an entry in ClinVar:

NM_000455.5(STK11):c.1017G>C (p.Pro339=)

Genes: STK11 (serine/threonine kinase 11; plus strand), LOC130062899 (ATAC-STARR-seq lymphoblastoid active region 13597; plus strand). Cytogenetic location: 19p13.3.
Variant type: single nucleotide variant.
Coding change: c.1017G>C on transcript NM_000455.5 (MANE Select); coding-DNA position 1017, G replaced by C.
Protein change: p.Pro339=; no amino-acid change (proline 339 retained).
Molecular consequence: synonymous variant.
Genome position (GRCh38, 1-based): chr19:1,223,081, G>C. VCF-style: chr19-1223081-G-C. GRCh37 (hg19) VCF-style: chr19-1223080-G-C.
Identifiers: ClinVar variation 412533 (VCV000412533.12), dbSNP rs773049570, ClinGen allele CA16616229.

ClinVar aggregate classification (germline): Benign/Likely benign. Review status: criteria provided, multiple submitters, no conflicts (2 of 4 stars). 2 submissions from 2 submitters: Benign (1); Likely benign (1). Last evaluated 2025-03-28.

Conditions:
Peutz-Jeghers syndrome (PJS). Also called: POLYPOSIS, HAMARTOMATOUS INTESTINAL; POLYPS-AND-SPOTS SYNDROME; Peutz-Jeghers polyposis; Periorificial lentiginosis syndrome. Identifiers: Orphanet 2869, MedGen C0031269, MeSH D010580, MONDO:0008280, OMIM 175200.

Submissions (2):

Myriad Genetics, Inc.
Classification: Benign for Peutz-Jeghers syndrome. Last evaluated: 2025-03-28. Review status: criteria provided, single submitter. Criteria: Myriad Autosomal Dominant, Autosomal Recessive and X-Linked Classification Criteria (2023). Collection method: clinical testing. Allele origin: unknown.
Comment: This variant is considered benign. This variant is a silent/synonymous amino acid change and it is not expected to impact splicing.

Labcorp Genetics (formerly Invitae), Labcorp
Classification: Likely benign for Peutz-Jeghers syndrome. Last evaluated: 2016-06-05. Review status: criteria provided, single submitter. Criteria: Invitae Variant Classification Sherloc (09022015). Collection method: clinical testing. Allele origin: germline.